The following is an entry in ClinVar:

ClinVar aggregate classification (germline): Uncertain significance (1 of 4 stars; one submission).

Conditions:
Inborn genetic diseases. Identifiers: MedGen C0950123, MeSH D030342.

Submission:

Ambry Genetics
Classification: Uncertain significance for Inborn genetic diseases. Last evaluated: 2022-02-11. Review status: criteria provided, single submitter. Criteria: Ambry Variant Classification Scheme 2023. Collection method: clinical testing. Allele origin: germline.
Comment: The c.8793_8795delAGA (p.E2934del) alteration is located in exon 56 (coding exon 55) of the HERC2 gene. This alteration consists of an in-frame deletion of 3 nucleotides between nucleotide positions c.8793 and c.8795, resulting in the deletion of <NA> residues. Based on insufficient or conflicting evidence, the clinical significance of this alteration remains unclear.

NM_004667.6(HERC2):c.8793_8795del (p.Glu2934del)

Gene: HERC2 (HECT and RLD domain containing E3 ubiquitin protein ligase 2; minus strand). Cytogenetic location: 15q13.1.
Variant type: Deletion.
Coding change: c.8793_8795del on transcript NM_004667.6 (MANE Select); coding-DNA positions 8793 to 8795, 3 bases deleted (AGA; older notation c.8793_8795delAGA).
Protein change: p.Glu2934del; deletes glutamic acid 2934.
Molecular consequence: inframe deletion.
Genome position (GRCh38, 1-based): chr15:28,186,607-28,186,609, TCT deleted on the plus strand (AGA on the coding strand, the reverse complement: HERC2 is on the minus strand); deleting any 3 consecutive bases within chr15:28,186,607-28,186,611 gives the same sequence; the c. name uses the placement nearest the transcript's 3' end. VCF-style (leftmost placement, unchanged base first): chr15-28186606-CTCT-C. GRCh37 (hg19) VCF-style: chr15-28431752-CTCT-C.
Other names: short protein forms E2934del.
Identifiers: ClinVar variation 2269852 (VCV002269852.2), dbSNP rs1268679990, ClinGen allele CA711723514.